The following is an entry in ClinVar:

ClinVar aggregate classification (germline): Uncertain significance (1 of 4 stars; one submission).

Allele frequency attached by ClinVar (database versions not stated): gnomAD exomes below 0.00001; TOPMed below 0.00001; gnomAD 0.00001.
gnomAD v4.1: 15 of 1,614,080 alleles (0.00093%); highest among the groups gnomAD compares: Non-Finnish European, 0.0013%; no homozygotes.

Submission:

Labcorp Genetics (formerly Invitae), Labcorp
Classification: Uncertain significance. Last evaluated: 2021-09-23. Review status: criteria provided, single submitter. Criteria: Invitae Variant Classification Sherloc (09022015). Collection method: clinical testing. Allele origin: germline.
Comment: This variant is not present in population databases (ExAC no frequency). This sequence change replaces serine with asparagine at codon 1819 of the CCDC88A protein (p.Ser1819Asn). The serine residue is moderately conserved and there is a small physicochemical difference between serine and asparagine. This variant has not been reported in the literature in individuals affected with CCDC88A-related conditions. In summary, the available evidence is currently insufficient to determine the role of this variant in disease. Therefore, it has been classified as a Variant of Uncertain Significance. Algorithms developed to predict the effect of missense changes on protein structure and function are either unavailable or do not agree on the potential impact of this missense change (SIFT: "Deleterious"; PolyPhen-2: "Probably Damaging"; Align-GVGD: "Class C0").

NM_001365480.1(CCDC88A):c.5459G>A (p.Ser1820Asn)

Gene: CCDC88A (coiled-coil and HOOK domain protein 88A; minus strand). Cytogenetic location: 2p16.1.
Variant type: single nucleotide variant.
Coding change: c.5459G>A on transcript NM_001365480.1 (MANE Select); coding-DNA position 5459, G replaced by A.
Protein change: p.Ser1820Asn; replaces serine 1820 with asparagine.
Molecular consequence: missense variant.
Genome position (GRCh38, 1-based): chr2:55,295,689, C>T on the plus strand (G>A on the coding strand, the complement: CCDC88A is on the minus strand). VCF-style: chr2-55295689-C-T. GRCh37 (hg19) VCF-style: chr2-55522825-C-T.
Other names: c.5456G>A, p.Ser1819Asn (NM_001135597.2); c.5234G>A, p.Ser1745Asn (NM_001254943.2); c.5375G>A, p.Ser1792Asn (NM_018084.5); short protein forms S1820N, S1745N, S1819N, S1792N.
Identifiers: ClinVar variation 1477024 (VCV001477024.6), dbSNP rs1254593710, ClinGen allele CA346911448.